The following is an entry in ClinVar:

NM_001330078.2(NRXN1):c.3548A>G (p.His1183Arg)

Gene: NRXN1 (neurexin 1; minus strand). Cytogenetic location: 2p16.3.
Variant type: single nucleotide variant.
Coding change: c.3548A>G on transcript NM_001330078.2 (MANE Select); coding-DNA position 3548, A replaced by G.
Protein change: p.His1183Arg; replaces histidine 1183 with arginine.
Molecular consequence: missense variant.
Genome position (GRCh38, 1-based): chr2:50,091,493, T>C on the plus strand (A>G on the coding strand, the complement: NRXN1 is on the minus strand). VCF-style: chr2-50091493-T-C. GRCh37 (hg19) VCF-style: chr2-50318631-T-C.
Other names: c.3668A>G, p.His1223Arg (NM_001135659.3); c.3524A>G, p.His1175Arg (NM_001330077.2, NM_001330082.2); c.3482A>G, p.His1161Arg (NM_001330083.2, NM_001330084.2); c.3521A>G, p.His1174Arg (NM_001330085.2); c.3548A>G, p.His1183Arg (NM_001330086.2, NM_004801.6); c.3437A>G, p.His1146Arg (NM_001330087.2, NM_001330096.2); c.3467A>G, p.His1156Arg (NM_001330088.2); c.443A>G, p.His148Arg (NM_001330091.2, NM_001330092.2, NM_001330097.2 and 1 more transcripts); and 3 more; short protein forms H1146R, H1182R, H1156R, H1161R, H148R, H1166R, H1175R, H1179R.
Identifiers: ClinVar variation 2714607 (VCV002714607.3), dbSNP rs2468071496, ClinGen allele CA346819313.

ClinVar aggregate classification (germline): Uncertain significance (1 of 4 stars; one submission).

Conditions:
Pitt-Hopkins-like syndrome 2 (PTHSL2). Identifiers: Orphanet 221150, Orphanet 600663, MedGen C3280479, MONDO:0013690, OMIM 614325.

Submission:

Labcorp Genetics (formerly Invitae), Labcorp
Classification: Uncertain significance for Pitt-Hopkins-like syndrome 2. Last evaluated: 2023-06-14. Review status: criteria provided, single submitter. Criteria: Invitae Variant Classification Sherloc (09022015). Collection method: clinical testing. Allele origin: germline.
Comment: In summary, the available evidence is currently insufficient to determine the role of this variant in disease. Therefore, it has been classified as a Variant of Uncertain Significance. An algorithm developed to predict the effect of missense changes on protein structure and function (PolyPhen-2) suggests that this variant is likely to be tolerated. This variant has not been reported in the literature in individuals affected with NRXN1-related conditions. This variant is not present in population databases (gnomAD no frequency). This sequence change replaces histidine, which is basic and polar, with arginine, which is basic and polar, at codon 1223 of the NRXN1 protein (p.His1223Arg).